The following is an entry in ClinVar:

NM_005210.4(CRYGB):c.181G>A (p.Gly61Arg)

Genes: CRYGB (crystallin gamma B; minus strand), LOC100507443 (uncharacterized LOC100507443; plus strand). Cytogenetic location: 2q33.3.
Variant type: single nucleotide variant.
Coding change: c.181G>A on transcript NM_005210.4 (MANE Select); coding-DNA position 181, G replaced by A.
Protein change: p.Gly61Arg; replaces glycine 61 with arginine.
Molecular consequence: missense variant.
Genome position (GRCh38, 1-based): chr2:208,145,845, C>T on the plus strand (G>A on the coding strand, the complement: CRYGB is on the minus strand). VCF-style: chr2-208145845-C-T. GRCh37 (hg19) VCF-style: chr2-209010569-C-T.
Other names: short protein forms G61R.
Identifiers: ClinVar variation 3352519 (VCV003352519.1).

ClinVar aggregate classification (germline): Uncertain significance (0 of 4 stars; one submission).

Conditions:
CRYGB-related disorder. Also called: CRYGB-related condition.

gnomAD v4.1: 577 of 1,614,044 alleles (0.036%); highest among the groups gnomAD compares: Non-Finnish European, 0.047%; no homozygotes.

Submission:

PreventionGenetics, part of Exact Sciences
Classification: Uncertain significance for CRYGB-related condition. Last evaluated: 2024-04-29. Review status: no assertion criteria provided. Collection method: clinical testing. Allele origin: germline.
Comment: The CRYGB c.181G>A variant is predicted to result in the amino acid substitution p.Gly61Arg. To our knowledge, this variant has not been reported in the literature. This variant is reported in 0.026% of alleles in individuals of European (Non-Finnish) descent in gnomAD, which is likely too frequent for an unreported disease-causing variant. Although we suspect that this variant may be benign, at this time, the clinical significance of this variant is uncertain due to the absence of conclusive functional and genetic evidence.